The following is an entry in ClinVar:

NM_002490.6(NDUFA6):c.-13A>C

Gene: NDUFA6 (NADH:ubiquinone oxidoreductase subunit A6; minus strand). Cytogenetic location: 22q13.2.
Variant type: single nucleotide variant.
Coding change: c.-13A>C on transcript NM_002490.6 (MANE Select); 13 bases upstream of the start codon, A replaced by C.
Molecular consequence: 5 prime UTR variant.
Genome position (GRCh38, 1-based): chr22:42,090,757, T>G on the plus strand (A>C on the coding strand, the complement: NDUFA6 is on the minus strand). VCF-style: chr22-42090757-T-G. GRCh37 (hg19) VCF-style: chr22-42486761-T-G.
Other names: c.66A>C (NM_002490.4).
Identifiers: ClinVar variation 1898947 (VCV001898947.7), dbSNP rs41277485, ClinGen allele CA10264462.

ClinVar aggregate classification (germline): Likely benign. Review status: criteria provided, single submitter (1 of 4 stars). 2 submissions from 2 submitters: Likely benign (1). 1 of the submissions does not count toward it. Last evaluated 2025-01-30.

Conditions:
NDUFA6-related disorder. Also called: NDUFA6-related condition.

Allele frequency attached by ClinVar (database versions not stated): gnomAD 0.00012; gnomAD exomes 0.00014; ESP Exome Variant Server 0.00015; TOPMed 0.00015; 1000 Genomes Project 30x 0.00016; ExAC 0.00021.

Submissions (2):

Labcorp Genetics (formerly Invitae), Labcorp
Classification: Likely benign. Last evaluated: 2025-01-30. Review status: criteria provided, single submitter. Criteria: Invitae Variant Classification Sherloc (09022015). Collection method: clinical testing. Allele origin: germline.

PreventionGenetics, part of Exact Sciences
Classification: Likely benign for NDUFA6-related condition. Last evaluated: 2019-05-01. Review status: no assertion criteria provided. Collection method: clinical testing. Allele origin: germline. Not counted in ClinVar's aggregate classification.
Comment: This variant is classified as likely benign based on ACMG/AMP sequence variant interpretation guidelines (Richards et al. 2015 PMID: 25741868, with internal and published modifications).